The following is an entry in ClinVar:

ClinVar aggregate classification (germline): Pathogenic (1 of 4 stars; one submission).

Conditions:
Primary ciliary dyskinesia. Also called: Ciliary dyskinesia. Identifiers: Orphanet 244, MedGen C0008780, MONDO:0016575, HP:0012265.

Submission:

Labcorp Genetics (formerly Invitae), Labcorp
Classification: Pathogenic for Primary ciliary dyskinesia. Last evaluated: 2022-11-07. Review status: criteria provided, single submitter. Criteria: Invitae Variant Classification Sherloc (09022015). Collection method: clinical testing. Allele origin: germline.
Comment: For these reasons, this variant has been classified as Pathogenic. This variant disrupts a region of the RPGR (ORF15) protein in which other variant(s) (p.Leu1130Lysfs*13) have been determined to be pathogenic (PMID: 22264887; Invitae). This suggests that this is a clinically significant region of the protein, and that variants that disrupt it are likely to be disease-causing. This variant is also known as g.ORF15+1029G>T (G343X). This premature translational stop signal has been observed in individual(s) with X-linked retinitis pigmentosa (PMID: 12402343). The frequency data for this variant in the population databases is considered unreliable, as metrics indicate insufficient coverage at this position in the gnomAD database. This sequence change creates a premature translational stop signal (p.Gly928*) in the RPGR (ORF15) gene. While this is not anticipated to result in nonsense mediated decay, it is expected to disrupt the last 225 amino acid(s) of the RPGR (ORF15) protein.

Literature cited by the submitters: PubMed 22264887; PubMed 12402343.

NM_001034853.2(RPGR):c.2782G>T (p.Gly928Ter)

Gene: RPGR (retinitis pigmentosa GTPase regulator; minus strand). Cytogenetic location: Xp11.4.
Variant type: single nucleotide variant.
Coding change: c.2782G>T on transcript NM_001034853.2 (MANE Select); coding-DNA position 2782, G replaced by T.
Protein change: p.Gly928Ter; replaces glycine 928 with a stop codon.
Molecular consequence: nonsense. On other transcripts: intron variant (8).
Genome position (GRCh38, 1-based): chrX:38,286,217, C>A on the plus strand (G>T on the coding strand, the complement: RPGR is on the minus strand). VCF-style: chrX-38286217-C-A. GRCh37 (hg19) VCF-style: chrX-38145470-C-A.
Other names: c.1569+4742G>T (NM_001367249.1, NM_001367250.1); c.1902+877G>T (NM_001367245.1); c.1386+4742G>T (NM_001367251.1); c.1719+877G>T (NM_001367246.1); c.1572+4742G>T (NM_001367247.1); c.1905+877G>T (NM_000328.3); c.1602+4742G>T (NM_001367248.1); short protein forms G928*.
Identifiers: ClinVar variation 2737196 (VCV002737196.3), dbSNP rs2519787093, ClinGen allele CA412729790.